The following is an entry in ClinVar:

ClinVar aggregate classification (germline): Uncertain significance. Review status: criteria provided, multiple submitters, no conflicts (2 of 4 stars). 2 submissions from 2 submitters: Uncertain significance (2). Last evaluated 2024-03-14.

Conditions:
Autosomal recessive limb-girdle muscular dystrophy type 2L (LGMDR12). Also called: Limb-girdle muscular dystrophy, type 2L; Limb-Girdle Muscular Dystrophy R12 Anoctamin-5-Related (LGMD-R12); MUSCULAR DYSTROPHY, LIMB-GIRDLE, AUTOSOMAL RECESSIVE 12. Identifiers: Orphanet 206549, MedGen C1969785, MONDO:0012652, OMIM 611307.
Gnathodiaphyseal dysplasia (GDD). Also called: GNATHODIAPHYSEAL SCLEROSIS; OSTEOGENESIS IMPERFECTA WITH UNUSUAL SKELETAL LESIONS. Identifiers: Orphanet 53697, MedGen C1833736, MONDO:0008151, OMIM 166260.

Allele frequency attached by ClinVar (database versions not stated): gnomAD exomes below 0.00001.
gnomAD v4.1: 1 of 1,613,558 alleles (0.000062%); highest among the groups gnomAD compares: Non-Finnish European, 0.000085%; no homozygotes.

Submissions (2):

Labcorp Genetics (formerly Invitae), Labcorp
Classification: Uncertain significance for Autosomal recessive limb-girdle muscular dystrophy type 2L; Gnathodiaphyseal dysplasia. Last evaluated: 2024-03-14. Review status: criteria provided, single submitter. Criteria: Invitae Variant Classification Sherloc (09022015). Collection method: clinical testing. Allele origin: germline.
Comment: This sequence change replaces proline, which is neutral and non-polar, with leucine, which is neutral and non-polar, at codon 161 of the ANO5 protein (p.Pro161Leu). This variant is not present in population databases (gnomAD no frequency). This variant has not been reported in the literature in individuals affected with ANO5-related conditions. ClinVar contains an entry for this variant (Variation ID: 286931). Advanced modeling of protein sequence and biophysical properties (such as structural, functional, and spatial information, amino acid conservation, physicochemical variation, residue mobility, and thermodynamic stability) performed at Invitae indicates that this missense variant is not expected to disrupt ANO5 protein function with a negative predictive value of 95%. In summary, the available evidence is currently insufficient to determine the role of this variant in disease. Therefore, it has been classified as a Variant of Uncertain Significance.

Eurofins Ntd Llc (ga)
Classification: Uncertain significance. Last evaluated: 2016-03-23. Review status: criteria provided, single submitter. Criteria: EGL Classification Definitions 2015. Collection method: clinical testing. Allele origin: germline. Observed: 1 variant allele, 1 heterozygote.

NM_213599.3(ANO5):c.482C>T (p.Pro161Leu)

Gene: ANO5 (anoctamin 5; plus strand). Cytogenetic location: 11p14.3.
Variant type: single nucleotide variant.
Coding change: c.482C>T on transcript NM_213599.3 (MANE Select); coding-DNA position 482, C replaced by T.
Protein change: p.Pro161Leu; replaces proline 161 with leucine.
Molecular consequence: missense variant.
Genome position (GRCh38, 1-based): chr11:22,227,420, C>T. VCF-style: chr11-22227420-C-T. GRCh37 (hg19) VCF-style: chr11-22248966-C-T.
Other names: c.479C>T, p.Pro160Leu (NM_001142649.2); short protein forms P161L, P160L.
Identifiers: ClinVar variation 286931 (VCV000286931.7), dbSNP rs886043523, ClinGen allele CA10605618.